The following is an entry in ClinVar:

NM_014712.3(SETD1A):c.3264G>A (p.Thr1088=)

Gene: SETD1A (SET domain containing 1A, histone lysine methyltransferase; plus strand). Cytogenetic location: 16p11.2.
Variant type: single nucleotide variant.
Coding change: c.3264G>A on transcript NM_014712.3 (MANE Select); coding-DNA position 3264, G replaced by A.
Protein change: p.Thr1088=; no amino-acid change (threonine 1088 retained).
Molecular consequence: synonymous variant.
Genome position (GRCh38, 1-based): chr16:30,971,625, G>A. VCF-style: chr16-30971625-G-A. GRCh37 (hg19) VCF-style: chr16-30982946-G-A.
Identifiers: ClinVar variation 3388810 (VCV003388810.14).

ClinVar aggregate classification (germline): Likely benign (1 of 4 stars; one submission).

gnomAD v4.1: 17 of 1,613,534 alleles (0.0011%); highest among the groups gnomAD compares: South Asian, 0.0099%; no homozygotes.

Submission:

CeGaT Center for Human Genetics Tuebingen
Classification: Likely benign. Last evaluated: 2024-10-01. Review status: criteria provided, single submitter. Criteria: CeGaT Center For Human Genetics Tuebingen Variant Classification Criteria Version 2. Collection method: clinical testing. Allele origin: germline. Affected: yes. Observed: 1 variant allele.
Comment: SETD1A: BP4, BP7